The following is an entry in ClinVar:

ClinVar aggregate classification (germline): Conflicting classifications of pathogenicity. Review status: criteria provided, conflicting classifications (1 of 4 stars). 2 submissions from 2 submitters: Uncertain significance (1); Likely benign (1). Last evaluated 2024-01-19.

Conditions:
Cleft palate. Identifiers: Orphanet 2014, MedGen C2981150, MONDO:0016064, HP:0000175.

Allele frequency attached by ClinVar (database versions not stated): TOPMed below 0.00001; gnomAD 0.00001; ExAC 0.00001; gnomAD exomes 0.00001.
gnomAD v4.1: 23 of 1,613,852 alleles (0.0014%); highest among the groups gnomAD compares: Non-Finnish European, 0.0019%; no homozygotes.

Submissions (2):

Labcorp Genetics (formerly Invitae), Labcorp
Classification: Uncertain significance. Last evaluated: 2024-01-19. Review status: criteria provided, single submitter. Criteria: Invitae Variant Classification Sherloc (09022015). Collection method: clinical testing. Allele origin: germline.
Comment: This sequence change replaces alanine, which is neutral and non-polar, with threonine, which is neutral and polar, at codon 445 of the SEPT9 protein (p.Ala445Thr). This variant is present in population databases (rs773077664, gnomAD 0.002%). This variant has not been reported in the literature in individuals affected with SEPT9-related conditions. Advanced modeling of protein sequence and biophysical properties (such as structural, functional, and spatial information, amino acid conservation, physicochemical variation, residue mobility, and thermodynamic stability) performed at Invitae indicates that this missense variant is not expected to disrupt SEPT9 protein function with a negative predictive value of 80%. In summary, the available evidence is currently insufficient to determine the role of this variant in disease. Therefore, it has been classified as a Variant of Uncertain Significance.

Cambridge Genomics Laboratory, East Genomic Laboratory Hub, NHS Genomic Medicine Service
Classification: Likely benign for Cleft palate. Last evaluated: 2019-09-11. Review status: criteria provided, single submitter. Criteria: ACGS Best Practice Guidelines for Variant Classification in Rare Disease 2020. Collection method: clinical testing. Allele origin: germline. Affected: yes. Observed: 1 variant allele.

NM_001113491.2(SEPTIN9):c.1387G>A (p.Ala463Thr)

Gene: SEPTIN9 (septin 9; plus strand). Cytogenetic location: 17q25.3.
Variant type: single nucleotide variant.
Coding change: c.1387G>A on transcript NM_001113491.2 (MANE Select); coding-DNA position 1387, G replaced by A.
Protein change: p.Ala463Thr; replaces alanine 463 with threonine.
Molecular consequence: missense variant.
Genome position (GRCh38, 1-based): chr17:77,492,627, G>A. VCF-style: chr17-77492627-G-A. GRCh37 (hg19) VCF-style: chr17-75488709-G-A.
Other names: c.895G>A, p.Ala299Thr (NM_001113492.2, NM_001113494.1); c.1366G>A, p.Ala456Thr (NM_001113493.2); c.634G>A, p.Ala212Thr (NM_001113495.2, NM_001113496.2, NM_001293697.2 and 1 more transcripts); c.1330G>A, p.Ala444Thr (NM_001293695.2); c.715G>A, p.Ala239Thr (NM_001293696.2); c.1333G>A, p.Ala445Thr (NM_006640.5); short protein forms A212T, A444T, A463T, A239T, A445T, A456T, A299T.
Identifiers: ClinVar variation 2899979 (VCV002899979.4), dbSNP rs773077664, ClinGen allele CA8793785.
Genomic context (GRCh38, chr17:77,492,627, plus strand): 5'-GGTGGGTAGAGCTTGCCACAGGGATGGGCCCATCTCTCTCCCTCCTTATCCCAGATCACC[G>A]CAGACCTGCTGTCCAACGGCATCGACGTGTACCCCCAGAAGGAATTTGATGAGGACTCGG-3'
Protein context (NP_001106963.1, residues 453-473): ERVHFKQRIT[Ala463Thr]DLLSNGIDVY